The following is an entry in ClinVar:

ClinVar aggregate classification (germline): Conflicting classifications of pathogenicity. Review status: criteria provided, conflicting classifications (1 of 4 stars). 2 submissions from 2 submitters: Likely pathogenic (1); Uncertain significance (1). Last evaluated 2024-11-13.

Conditions:
Congenital heart defects, dysmorphic facial features, and intellectual developmental disorder (CHDFIDD). Identifiers: Orphanet 646278, MedGen C4479246, MONDO:0044302, OMIM 617360.

Submissions (2):

Institute of Human Genetics, University of Goettingen
Classification: Likely pathogenic for Congenital heart defects, dysmorphic facial features, and intellectual developmental disorder. Last evaluated: 2024-11-13. Review status: criteria provided, single submitter. Criteria: ACMG Guidelines, 2015. Collection method: clinical testing. Allele origin: germline. Inheritance: Autosomal dominant inheritance. Affected: yes. Observed: 1 heterozygote.
Comment: PVS1, PM2

GeneDx
Classification: Uncertain significance. Last evaluated: 2024-06-27. Review status: criteria provided, single submitter. Criteria: GeneDx Variant Classification Process June 2021. Collection method: clinical testing. Allele origin: germline. Affected: yes.
Comment: Nonsense variant predicted to result in protein truncation or nonsense mediated decay in a gene or region of a gene for which loss of function is not a well-established mechanism of disease; Not observed at significant frequency in large population cohorts (gnomAD); Has not been previously published as pathogenic or benign to our knowledge

Literature cited by the submitters: PubMed 30702837 (cited by Institute of Human Genetics, University of Goettingen).

NM_003718.5(CDK13):c.997C>T (p.Gln333Ter)

Gene: CDK13 (cyclin dependent kinase 13; plus strand). Cytogenetic location: 7p14.1.
Variant type: single nucleotide variant.
Coding change: c.997C>T on transcript NM_003718.5 (MANE Select); coding-DNA position 997, C replaced by T.
Protein change: p.Gln333Ter; replaces glutamine 333 with a stop codon.
Molecular consequence: nonsense.
Genome position (GRCh38, 1-based): chr7:39,951,638, C>T. VCF-style: chr7-39951638-C-T. GRCh37 (hg19) VCF-style: chr7-39991237-C-T.
Other names: CDK13; c.997C>T, p.Gln333Ter (NM_031267.4); short protein forms Q333*.
Identifiers: ClinVar variation 3392853 (VCV003392853.3).
Genomic context (GRCh38, chr7:39,951,638, plus strand): 5'-CGGCGGTCCCTCAGCCCACTGGGAGGCCGGGACGACAGCCCGGTGTCCCACAGGGCCTCT[C>T]AGAGCCTGAGGAGCCGCAAGTCCCCCAGCCCGGCAGGAGGTGGCAGCAGCCCCTATTCTC-3'